The following is an entry in ClinVar:

NM_004086.3(COCH):c.373+4G>A

Genes: COCH-AS1 (COCH antisense RNA 1; minus strand), COCH (cochlin; plus strand). Cytogenetic location: 14q12.
Variant type: single nucleotide variant.
Coding change: c.373+4G>A on transcript NM_004086.3 (MANE Select); 4 bases into the intron after coding-DNA position 373, G replaced by A.
Molecular consequence: intron variant.
Genome position (GRCh38, 1-based): chr14:30,878,948, G>A. VCF-style: chr14-30878948-G-A. GRCh37 (hg19) VCF-style: chr14-31348154-G-A.
Other names: c.568+4G>A (NM_001347720.2); c.373+4G>A (NM_001135058.2).
Identifiers: ClinVar variation 504560 (VCV000504560.11), dbSNP rs376255896, ClinGen allele CA7143001.
Genomic context (GRCh38, chr14:30,878,948, plus strand): 5'-CCAATGGCATCCAGTCTCAAATGCTTTCTAGATGGTCTGCTTCTTTCACAGTAACTAGTA[G>A]GTATAATTATTGTTCTCATTCTGTAATATTCTCCCACCCCCCAAACGTTTTCTGCTTTTT-3'

ClinVar aggregate classification (germline): Uncertain significance. Review status: criteria provided, multiple submitters, no conflicts (2 of 4 stars). 3 submissions from 3 submitters: Uncertain significance (3). Last evaluated 2025-06-15.

Allele frequency attached by ClinVar (database versions not stated): ExAC 0.00002; gnomAD 0.00005 and 0.00006; gnomAD exomes 0.00006 and 0.00019; TOPMed 0.00008; ESP Exome Variant Server 0.00015.
gnomAD v4.1: 299 of 1,613,652 alleles (0.019%); highest among the groups gnomAD compares: Non-Finnish European, 0.024%; no homozygotes.

Submissions (3):

Labcorp Genetics (formerly Invitae), Labcorp
Classification: Uncertain significance. Last evaluated: 2025-06-15. Review status: criteria provided, single submitter. Criteria: Invitae Variant Classification Sherloc (09022015). Collection method: clinical testing. Allele origin: germline.
Comment: This sequence change falls in intron 5 of the COCH gene. It does not directly change the encoded amino acid sequence of the COCH protein. It affects a nucleotide within the consensus splice site. This variant is present in population databases (rs376255896, gnomAD 0.01%). This variant has not been reported in the literature in individuals affected with COCH-related conditions. ClinVar contains an entry for this variant (Variation ID: 504560). Variants that disrupt the consensus splice site are a relatively common cause of aberrant splicing (PMID: 17576681, 9536098). Algorithms developed to predict the effect of sequence changes on RNA splicing suggest that this variant is not likely to affect RNA splicing. In summary, the available evidence is currently insufficient to determine the role of this variant in disease. Therefore, it has been classified as a Variant of Uncertain Significance.

Eurofins Ntd Llc (ga)
Classification: Uncertain significance. Last evaluated: 2017-07-20. Review status: criteria provided, single submitter. Criteria: EGL Classification Definitions 2015. Collection method: clinical testing. Allele origin: germline. Observed: 1 variant allele, 1 heterozygote.

Laboratory for Molecular Medicine, Mass General Brigham Personalized Medicine
Classification: Uncertain significance. Last evaluated: 2016-11-10. Review status: criteria provided, single submitter. Criteria: LMM Criteria. Collection method: clinical testing. Allele origin: germline. Observed: 1 variant allele.
Comment: The c.373+4G>A variant in COCH has not been previously reported in individuals w ith hearing loss, but has been identified in 3/66688 European chromosomes by the Exome Aggregation Consortium (ExAC; dbSNP rs376 255896). This variant is located in the 5' splice region. Computational tools do not suggest an impact to splicing, and no splicing variant in COCH has been rep orted to cause hearing loss. However, this information is not predictive enough to rule out pathogenicity. In summary, the clinical significance of the c.373+4G >A variant in COCH is uncertain.

Literature cited by the submitters: PubMed 17576681 (cited by Labcorp Genetics (formerly Invitae), Labcorp); PubMed 9536098 (cited by Labcorp Genetics (formerly Invitae), Labcorp).